The following is an entry in ClinVar:

NM_015100.4(POGZ):c.3468G>A (p.Trp1156Ter)

Gene: POGZ (pogo transposable element derived with ZNF domain; minus strand). Cytogenetic location: 1q21.3.
Variant type: single nucleotide variant.
Coding change: c.3468G>A on transcript NM_015100.4 (MANE Select); coding-DNA position 3468, G replaced by A.
Protein change: p.Trp1156Ter; replaces tryptophan 1156 with a stop codon.
Molecular consequence: nonsense.
Genome position (GRCh38, 1-based): chr1:151,405,567, C>T on the plus strand (G>A on the coding strand, the complement: POGZ is on the minus strand). VCF-style: chr1-151405567-C-T. GRCh37 (hg19) VCF-style: chr1-151378043-C-T.
Other names: c.3441G>A, p.Trp1147Ter (NM_001194937.2); c.3282G>A, p.Trp1094Ter (NM_001194938.2); c.3489G>A, p.Trp1163Ter (NM_001410860.1); c.3183G>A, p.Trp1061Ter (NM_145796.4); c.3309G>A, p.Trp1103Ter (NM_207171.2); short protein forms W1061*, W1094*, W1103*, W1147*, W1156*, W1163*.
Identifiers: ClinVar variation 2630235 (VCV002630235.1), dbSNP rs2529200620, ClinGen allele CA341942687.

ClinVar aggregate classification (germline): Likely pathogenic (1 of 4 stars; one submission).

Conditions:
POGZ-related disorder. Also called: POGZ-related condition.

Submission:

PreventionGenetics, part of Exact Sciences
Classification: Likely pathogenic for POGZ-related condition. Last evaluated: 2023-02-28. Review status: criteria provided, single submitter. Criteria: ACMG Guidelines, 2015. Collection method: clinical testing. Allele origin: germline.
Comment: The POGZ c.3468G>A variant is predicted to result in premature protein termination (p.Trp1156*). To our knowledge, this variant has not been reported in the literature or in a large population database, indicating this variant is rare. This variant is located in a large terminal exon and numerous frameshift or nonsense variants upstream and downstream have been documented de novo in affected individuals (Assia Batzir et al. 2020. PubMed ID: 31782611). This variant is interpreted as likely pathogenic.